The following is an entry in ClinVar:

NM_004076.5(CRYBB3):c.567G>A (p.Pro189=)

Gene: CRYBB3 (crystallin beta B3; plus strand). Cytogenetic location: 22q11.23.
Variant type: single nucleotide variant.
Coding change: c.567G>A on transcript NM_004076.5 (MANE Select); coding-DNA position 567, G replaced by A.
Protein change: p.Pro189=; no amino-acid change (proline 189 retained).
Molecular consequence: synonymous variant.
Genome position (GRCh38, 1-based): chr22:25,207,143, G>A. VCF-style: chr22-25207143-G-A. GRCh37 (hg19) VCF-style: chr22-25603110-G-A.
Identifiers: ClinVar variation 340956 (VCV000340956.41), dbSNP rs144842183, ClinGen allele CA10157852.
Genomic context (GRCh38, chr22:25,207,143, plus strand): 5'-CCAGTACGTGTTTGAGCGGGGCGAGTACCGCCACTGGAATGAGTGGGACGCCAGCCAGCC[G>A]CAGCTGCAGTCTGTGCGCCGCATCCGTGACCAGAAGTGGCACAAGCGGGGCCGCTTCCCC-3'
Protein context (NP_004067.1, residues 179-199): RHWNEWDASQ[Pro189=]QLQSVRRIRD

ClinVar aggregate classification (germline): Benign/Likely benign. Review status: criteria provided, multiple submitters, no conflicts (2 of 4 stars). 4 submissions from 4 submitters: Benign (2); Likely benign (2). Last evaluated 2025-12-30.

Conditions:
Cataract 22 multiple types. Also called: CATARACT 22, NUCLEAR, AUTOSOMAL RECESSIVE; CATARACT 22, MULTIPLE TYPES, AUTOSOMAL DOMINANT; Cataract 22. Identifiers: Orphanet 91492, MedGen C1857853, MONDO:0012336, OMIM 609741.

Allele frequency attached by ClinVar (database versions not stated): 1000 Genomes Project 0.00519; gnomAD exomes 0.00854 and 0.01155; gnomAD 0.00997 and 0.01025; ExAC 0.01026; TOPMed 0.00390; ESP Exome Variant Server 0.00400; 1000 Genomes Project 30x 0.00422.

Submissions (4):

Labcorp Genetics (formerly Invitae), Labcorp
Classification: Benign for Cataract 22 multiple types. Last evaluated: 2025-12-30. Review status: criteria provided, single submitter. Criteria: Invitae Variant Classification Sherloc (09022015). Collection method: clinical testing. Allele origin: germline.

CeGaT Center for Human Genetics Tuebingen
Classification: Likely benign. Last evaluated: 2025-08-01. Review status: criteria provided, single submitter. Criteria: CeGaT Center For Human Genetics Tuebingen Variant Classification Criteria Version 2. Collection method: clinical testing. Allele origin: germline. Affected: yes. Observed: 4 variant alleles.
Comment: CRYBB3: BP4, BP7, BS2

GeneDx
Classification: Benign. Last evaluated: 2022-02-14. Review status: criteria provided, single submitter. Criteria: GeneDx Variant Classification Process June 2021. Collection method: clinical testing. Allele origin: germline. Affected: yes.
Comment: See Variant Classification Assertion Criteria.

Breakthrough Genomics
Classification: Likely benign. Review status: criteria provided, single submitter. Criteria: ACMG Guidelines, 2015. Collection method: not provided. Allele origin: germline. Inheritance: Autosomal dominant inheritance. Affected: yes.